The following is an entry in ClinVar:

NM_018896.5(CACNA1G):c.2979+8C>T

Gene: CACNA1G (calcium voltage-gated channel subunit alpha1 G; plus strand). Cytogenetic location: 17q21.33.
Variant type: single nucleotide variant.
Coding change: c.2979+8C>T on transcript NM_018896.5 (MANE Select); 8 bases into the intron after coding-DNA position 2979, C replaced by T.
Molecular consequence: intron variant.
Genome position (GRCh38, 1-based): chr17:50,595,069, C>T. VCF-style: chr17-50595069-C-T. GRCh37 (hg19) VCF-style: chr17-48672430-C-T.
Other names: c.2979+8C>T (NM_001256325.2, NM_198377.3, NM_198380.3 and 16 more transcripts); c.2911-1493C>T (NM_198396.3, NM_198379.3, NM_198387.3 and 5 more transcripts).
Identifiers: ClinVar variation 2894008 (VCV002894008.3), dbSNP rs965282627, ClinGen allele CA291616331.

ClinVar aggregate classification (germline): Uncertain significance (1 of 4 stars; one submission).

Allele frequency attached by ClinVar (database versions not stated): gnomAD 0.00003; TOPMed 0.00012.

Submission:

Labcorp Genetics (formerly Invitae), Labcorp
Classification: Uncertain significance. Last evaluated: 2023-07-18. Review status: criteria provided, single submitter. Criteria: Invitae Variant Classification Sherloc (09022015). Collection method: clinical testing. Allele origin: germline.
Comment: Algorithms developed to predict the effect of sequence changes on RNA splicing suggest that this variant may disrupt the consensus splice site. In summary, the available evidence is currently insufficient to determine the role of this variant in disease. Therefore, it has been classified as a Variant of Uncertain Significance. This variant has not been reported in the literature in individuals affected with CACNA1G-related conditions. The frequency data for this variant in the population databases is considered unreliable, as metrics indicate poor data quality at this position in the gnomAD database. This sequence change falls in intron 14 of the CACNA1G gene. It does not directly change the encoded amino acid sequence of the CACNA1G protein.